The following is an entry in ClinVar:

NM_203446.3(SYNJ1):c.*677_*679del

Gene: SYNJ1 (synaptojanin 1; minus strand). Cytogenetic location: 21q22.11.
Variant type: Deletion.
Coding change: c.*677_*679del on transcript NM_203446.3 (MANE Select); 677 bases downstream of the stop codon through 679 bases downstream of the stop codon, 3 bases deleted (TCT; older notation c.*677_*679delTCT).
Molecular consequence: 3 prime UTR variant. On other transcripts: inframe deletion (1), inframe indel (1).
Genome position (GRCh38, 1-based): chr21:32,631,126-32,631,128, AGA deleted on the plus strand (TCT on the coding strand, the reverse complement: SYNJ1 is on the minus strand); deleting any 3 consecutive bases within chr21:32,631,126-32,631,130 gives the same sequence; the c. name uses the placement nearest the transcript's 3' end. VCF-style (leftmost placement, unchanged base first): chr21-32631125-CAGA-C. GRCh37 (hg19) VCF-style: chr21-34003435-CAGA-C.
Other names: c.*675_*677delCTT (NM_001160302.2); c.4448_4450del, p.Phe1483del (NM_001160306.2); c.4704_4706delCTT, p.Phe1569del (NM_003895.4); c.4706_4708delTCT (NM_003895.3); short protein forms F1569del, F1483del.
Identifiers: ClinVar variation 708218 (VCV000708218.13), dbSNP rs528030561, ClinGen allele CA10003066.
Genomic context (GRCh38, chr21:32,631,125, plus strand): 5'-CTGGTGCCGGGCGGGAGCAGAGGGACAGGAGGTGGAGGAGGTCTTCTTGACGGCAACACA[CAGA>C]AGGAGACATTTGTACCTTTATTCCAGTCATCATTCAATGTCAGGTTGGAGCCAGAAAATG-3'

ClinVar aggregate classification (germline): Conflicting classifications of pathogenicity. Review status: criteria provided, conflicting classifications (1 of 4 stars). 3 submissions from 3 submitters: Uncertain significance (1); Likely benign (2). Last evaluated 2026-01-28.

Conditions:
SYNJ1-related disorder. Also called: SYNJ1-related condition.
Early-onset Parkinson disease 20. Also called: PARKINSON DISEASE 20, AUTOSOMAL RECESSIVE EARLY-ONSET. Identifiers: Orphanet 391411, MedGen C3809824, MONDO:0014233, OMIM 615530.
Developmental and epileptic encephalopathy, 53. Also called: Epileptic encephalopathy, early infantile, 53. Identifiers: MedGen C4479313, MONDO:0033362, OMIM 617389.

Submissions (3):

Labcorp Genetics (formerly Invitae), Labcorp
Classification: Likely benign for Developmental and epileptic encephalopathy, 53; Early-onset Parkinson disease 20. Last evaluated: 2026-01-28. Review status: criteria provided, single submitter. Criteria: Invitae Variant Classification Sherloc (09022015). Collection method: clinical testing. Allele origin: germline.

PreventionGenetics, part of Exact Sciences
Classification: Likely benign for SYNJ1-related condition. Last evaluated: 2025-12-19. Review status: criteria provided, single submitter. Criteria: ACMG Guidelines, 2015. Collection method: clinical testing. Allele origin: germline.
Comment: This variant is classified as likely benign based on ACMG/AMP sequence variant interpretation guidelines (Richards et al. 2015 PMID: 25741868, with internal and published modifications).

GeneDx
Classification: Uncertain significance. Last evaluated: 2024-07-17. Review status: criteria provided, single submitter. Criteria: GeneDx Variant Classification Process June 2021. Collection method: clinical testing. Allele origin: germline. Affected: yes.
Comment: In-frame deletion of 1 amino acid in a non-repeat region; In silico analysis indicates that this variant does not alter protein structure/function; Has not been previously published as pathogenic or benign to our knowledge